The following is an entry in ClinVar:

NM_017654.4(SAMD9):c.4262C>T (p.Pro1421Leu)

Gene: SAMD9 (sterile alpha motif domain containing 9; minus strand). Cytogenetic location: 7q21.2.
Variant type: single nucleotide variant.
Coding change: c.4262C>T on transcript NM_017654.4 (MANE Select); coding-DNA position 4262, C replaced by T.
Protein change: p.Pro1421Leu; replaces proline 1421 with leucine.
Molecular consequence: missense variant.
Genome position (GRCh38, 1-based): chr7:93,101,836, G>A on the plus strand (C>T on the coding strand, the complement: SAMD9 is on the minus strand). VCF-style: chr7-93101836-G-A. GRCh37 (hg19) VCF-style: chr7-92731149-G-A.
Other names: c.4262C>T (NM_017654.3); c.4262C>T, p.Pro1421Leu (NM_001193307.2); short protein forms P1421L.
Identifiers: ClinVar variation 1919437 (VCV001919437.6), dbSNP rs757068675, ClinGen allele CA4342579.

ClinVar aggregate classification (germline): Uncertain significance. Review status: criteria provided, multiple submitters, no conflicts (2 of 4 stars). 2 submissions from 2 submitters: Uncertain significance (2). Last evaluated 2025-11-27.

Conditions:
Inborn genetic diseases. Identifiers: MedGen C0950123, MeSH D030342.

Allele frequency attached by ClinVar (database versions not stated): gnomAD 0.00001; gnomAD exomes 0.00001; ExAC 0.00002.
gnomAD v4.1: 10 of 1,613,656 alleles (0.00062%); highest among the groups gnomAD compares: South Asian, 0.011%; no homozygotes.

Submissions (2):

Ambry Genetics
Classification: Uncertain significance for Inborn genetic diseases. Last evaluated: 2025-11-27. Review status: criteria provided, single submitter. Criteria: Ambry Variant Classification Scheme 2023. Collection method: clinical testing. Allele origin: germline.
Comment: The p.P1421L variant (also known as c.4262C>T), located in coding exon 1 of the SAMD9 gene, results from a C to T substitution at nucleotide position 4262. The proline at codon 1421 is replaced by leucine, an amino acid with similar properties. This amino acid position is conserved. In addition, this alteration is predicted to be tolerated by in silico analysis. Based on the available evidence, the clinical significance of this variant remains unclear.

Labcorp Genetics (formerly Invitae), Labcorp
Classification: Uncertain significance. Last evaluated: 2024-02-24. Review status: criteria provided, single submitter. Criteria: Invitae Variant Classification Sherloc (09022015). Collection method: clinical testing. Allele origin: germline.
Comment: This sequence change replaces proline, which is neutral and non-polar, with leucine, which is neutral and non-polar, at codon 1421 of the SAMD9 protein (p.Pro1421Leu). This variant is present in population databases (rs757068675, gnomAD 0.01%). This variant has not been reported in the literature in individuals affected with SAMD9-related conditions. ClinVar contains an entry for this variant (Variation ID: 1919437). Advanced modeling of protein sequence and biophysical properties (such as structural, functional, and spatial information, amino acid conservation, physicochemical variation, residue mobility, and thermodynamic stability) performed at Invitae indicates that this missense variant is not expected to disrupt SAMD9 protein function with a negative predictive value of 95%. In summary, the available evidence is currently insufficient to determine the role of this variant in disease. Therefore, it has been classified as a Variant of Uncertain Significance.